The following is an entry in ClinVar:

NM_004273.5(CHST3):c.697G>A (p.Val233Ile)

Gene: CHST3 (carbohydrate sulfotransferase 3; plus strand). Cytogenetic location: 10q22.1.
Variant type: single nucleotide variant.
Coding change: c.697G>A on transcript NM_004273.5 (MANE Select); coding-DNA position 697, G replaced by A.
Protein change: p.Val233Ile; replaces valine 233 with isoleucine.
Molecular consequence: missense variant.
Genome position (GRCh38, 1-based): chr10:72,007,728, G>A. VCF-style: chr10-72007728-G-A. GRCh37 (hg19) VCF-style: chr10-73767486-G-A.
Other names: short protein forms V233I.
Identifiers: ClinVar variation 2005129 (VCV002005129.4), dbSNP rs1840058319, ClinGen allele CA377145981.

ClinVar aggregate classification (germline): Uncertain significance (1 of 4 stars; one submission).

Conditions:
Spondyloepiphyseal dysplasia with congenital joint dislocations (SEDCJD). Also called: Chondrodysplasia with Congenital Joint Dislocations, CHST3-Related. Identifiers: Orphanet 263463, MedGen C1837657, MONDO:0007738, OMIM 143095.

Allele frequency attached by ClinVar (database versions not stated): gnomAD exomes below 0.00001; TOPMed below 0.00001.
gnomAD v4.1: 1 of 1,604,578 alleles (0.000062%); highest among the groups gnomAD compares: Non-Finnish European, 0.000085%; no homozygotes.

Submission:

Labcorp Genetics (formerly Invitae), Labcorp
Classification: Uncertain significance for Spondyloepiphyseal dysplasia with congenital joint dislocations. Last evaluated: 2022-06-12. Review status: criteria provided, single submitter. Criteria: Invitae Variant Classification Sherloc (09022015). Collection method: clinical testing. Allele origin: germline.
Comment: This sequence change replaces valine, which is neutral and non-polar, with isoleucine, which is neutral and non-polar, at codon 233 of the CHST3 protein (p.Val233Ile). This variant is not present in population databases (gnomAD no frequency). This variant has not been reported in the literature in individuals affected with CHST3-related conditions. Algorithms developed to predict the effect of missense changes on protein structure and function are either unavailable or do not agree on the potential impact of this missense change (SIFT: "Tolerated"; PolyPhen-2: "Probably Damaging"; Align-GVGD: "Class C0"). In summary, the available evidence is currently insufficient to determine the role of this variant in disease. Therefore, it has been classified as a Variant of Uncertain Significance.